The following is an entry in ClinVar:

ClinVar aggregate classification (germline): Uncertain significance (1 of 4 stars; one submission).

Conditions:
Ehlers-Danlos syndrome, dermatosparaxis type. Also called: Dermatosparaxis; Ehlers-Danlos syndrome, type VII, autosomal recessive; EDS VIIC. Identifiers: Orphanet 1901, MedGen C2700425, MONDO:0009161, OMIM 225410.

Submission:

Labcorp Genetics (formerly Invitae), Labcorp
Classification: Uncertain significance for Ehlers-Danlos syndrome, dermatosparaxis type. Last evaluated: 2025-12-01. Review status: criteria provided, single submitter. Criteria: Invitae Variant Classification Sherloc (09022015). Collection method: clinical testing. Allele origin: germline.
Comment: This sequence change replaces asparagine, which is neutral and polar, with threonine, which is neutral and polar, at codon 299 of the ADAMTS2 protein (p.Asn299Thr). This variant is not present in population databases (gnomAD no frequency). This variant has not been reported in the literature in individuals affected with ADAMTS2-related conditions. ClinVar contains an entry for this variant (Variation ID: 2712542). An algorithm developed to predict the effect of missense changes on protein structure and function (PolyPhen-2) suggests that this variant is likely to be disruptive. In summary, the available evidence is currently insufficient to determine the role of this variant in disease. Therefore, it has been classified as a Variant of Uncertain Significance.

NM_014244.5(ADAMTS2):c.896A>C (p.Asn299Thr)

Gene: ADAMTS2 (ADAM metallopeptidase with thrombospondin type 1 motif 2; minus strand). Cytogenetic location: 5q35.3.
Variant type: single nucleotide variant.
Coding change: c.896A>C on transcript NM_014244.5 (MANE Select); coding-DNA position 896, A replaced by C.
Protein change: p.Asn299Thr; replaces asparagine 299 with threonine.
Molecular consequence: missense variant.
Genome position (GRCh38, 1-based): chr5:179,181,151, T>G on the plus strand (A>C on the coding strand, the complement: ADAMTS2 is on the minus strand). VCF-style: chr5-179181151-T-G. GRCh37 (hg19) VCF-style: chr5-178608152-T-G.
Other names: c.896A>C, p.Asn299Thr (NM_021599.4); short protein forms N299T.
Identifiers: ClinVar variation 2712542 (VCV002712542.3), dbSNP rs1476075057, ClinGen allele CA362418503.